The following is an entry in ClinVar:

NM_001369.3(DNAH5):c.3504del (p.Glu1168fs)

Genes: DNAH5 (dynein axonemal heavy chain 5; minus strand), DNAH5-AS1 (DNAH5 antisense RNA 1; plus strand). Cytogenetic location: 5p15.2.
Variant type: Deletion.
Coding change: c.3504del on transcript NM_001369.3 (MANE Select); coding-DNA position 3504, one base deleted (A; older notation c.3504delA).
Protein change: p.Glu1168fs; shifts the reading frame from glutamic acid 1168.
Molecular consequence: frameshift variant.
Genome position (GRCh38, 1-based): chr5:13,871,658, T deleted on the plus strand (A on the coding strand, the reverse complement: DNAH5 is on the minus strand); the first of 2 consecutive T bases (chr5:13,871,658-13,871,659); deleting either gives the same sequence. VCF-style (leftmost placement, unchanged base first): chr5-13871657-AT-A. GRCh37 (hg19) VCF-style: chr5-13871766-AT-A.
Other names: short protein forms E1168fs.
Identifiers: ClinVar variation 1732100 (VCV001732100.2), dbSNP rs2546999923, ClinGen allele CA2580072065.

ClinVar aggregate classification (germline): Pathogenic (1 of 4 stars; one submission).

Conditions:
Primary ciliary dyskinesia. Also called: Ciliary dyskinesia. Identifiers: Orphanet 244, MedGen C0008780, MONDO:0016575, HP:0012265.

Submission:

Ambry Genetics
Classification: Pathogenic for Primary ciliary dyskinesia. Last evaluated: 2016-10-27. Review status: criteria provided, single submitter. Criteria: Ambry Variant Classification Scheme 2023. Collection method: clinical testing. Allele origin: germline.
Comment: The c.3504delA pathogenic mutation, located in coding exon 23 of the DNAH5 gene, results from a deletion of one nucleotide at nucleotide position 3504, causing a translational frameshift with a predicted alternate stop codon (p.E1168Dfs*12). This alteration is expected to result in loss of function by premature protein truncation or nonsense-mediated mRNA decay. As such, this alteration is interpreted as a disease-causing mutation.